The following is an entry in ClinVar:

ClinVar aggregate classification (germline): Uncertain significance (1 of 4 stars; one submission).

Submission:

Labcorp Genetics (formerly Invitae), Labcorp
Classification: Uncertain significance. Last evaluated: 2026-01-22. Review status: criteria provided, single submitter. Criteria: Invitae Variant Classification Sherloc (09022015). Collection method: clinical testing. Allele origin: germline.
Comment: This sequence change replaces isoleucine, which is neutral and non-polar, with methionine, which is neutral and non-polar, at codon 524 of the IMPDH1 protein (p.Ile524Met). This variant is present in population databases (rs267601273, gnomAD 0.05%). This variant has not been reported in the literature in individuals affected with IMPDH1-related conditions. ClinVar contains an entry for this variant (Variation ID: 2917944). An algorithm developed to predict the effect of missense changes on protein structure and function (PolyPhen-2) suggests that this variant is likely to be disruptive. In summary, the available evidence is currently insufficient to determine the role of this variant in disease. Therefore, it has been classified as a Variant of Uncertain Significance.

NM_000883.4(IMPDH1):c.1572C>G (p.Ile524Met)

Gene: IMPDH1 (inosine monophosphate dehydrogenase 1; minus strand). Cytogenetic location: 7q32.1.
Variant type: single nucleotide variant.
Coding change: c.1572C>G on transcript NM_000883.4 (MANE Select); coding-DNA position 1572, C replaced by G.
Protein change: p.Ile524Met; replaces isoleucine 524 with methionine.
Molecular consequence: missense variant.
Genome position (GRCh38, 1-based): chr7:128,394,578, G>C on the plus strand (C>G on the coding strand, the complement: IMPDH1 is on the minus strand). VCF-style: chr7-128394578-G-C. GRCh37 (hg19) VCF-style: chr7-128034632-G-C.
Other names: c.1542C>G, p.Ile514Met (NM_001102605.2); c.1317C>G, p.Ile439Met (NM_001142573.2); c.1302C>G, p.Ile434Met (NM_001142574.2); c.1242C>G, p.Ile414Met (NM_001142575.2); c.1473C>G, p.Ile491Met (NM_001142576.2); c.1365C>G, p.Ile455Met (NM_001304521.2); c.1464C>G, p.Ile488Met (NM_183243.3); short protein forms I434M, I524M, I455M, I488M, I514M, I414M, I439M, I491M.
Identifiers: ClinVar variation 2917944 (VCV002917944.3), dbSNP rs267601273, ClinGen allele CA4470785.